The following is an entry in ClinVar:

NM_004415.4(DSP):c.4949C>T (p.Thr1650Ile)

Gene: DSP (desmoplakin; plus strand). Cytogenetic location: 6p24.3.
Variant type: single nucleotide variant.
Coding change: c.4949C>T on transcript NM_004415.4 (MANE Select); coding-DNA position 4949, C replaced by T.
Protein change: p.Thr1650Ile; replaces threonine 1650 with isoleucine.
Molecular consequence: missense variant. On other transcripts: intron variant (2).
Genome position (GRCh38, 1-based): chr6:7,581,139, C>T. VCF-style: chr6-7581139-C-T. GRCh37 (hg19) VCF-style: chr6-7581372-C-T.
Other names: c.4050+899C>T (NM_001319034.2); c.3582+1367C>T (NM_001008844.3); short protein forms T1650I.
Identifiers: ClinVar variation 4015100 (VCV004015100.1).

ClinVar aggregate classification (germline): Uncertain significance (1 of 4 stars; one submission).

Conditions:
Cardiovascular phenotype. Identifiers: MedGen CN230736.

Submission:

Ambry Genetics
Classification: Uncertain significance for Cardiovascular phenotype. Last evaluated: 2025-05-03. Review status: criteria provided, single submitter. Criteria: Ambry Variant Classification Scheme 2023. Collection method: clinical testing. Allele origin: germline.
Comment: The p.T1650I variant (also known as c.4949C>T), located in coding exon 23 of the DSP gene, results from a C to T substitution at nucleotide position 4949. The threonine at codon 1650 is replaced by isoleucine, an amino acid with similar properties. This amino acid position is conserved. In addition, this alteration is predicted to be tolerated by in silico analysis. Based on the available evidence, the clinical significance of this variant remains unclear.